The following is an entry in ClinVar:

NM_000203.5(IDUA):c.233G>A (p.Gly78Asp)

Genes: IDUA (alpha-L-iduronidase; plus strand), SLC26A1 (solute carrier family 26 member 1; minus strand). Cytogenetic location: 4p16.3.
Variant type: single nucleotide variant.
Coding change: c.233G>A on transcript NM_000203.5 (MANE Select); coding-DNA position 233, G replaced by A.
Protein change: p.Gly78Asp; replaces glycine 78 with aspartic acid.
Molecular consequence: missense variant. On other transcripts: 3 prime UTR variant (2), non-coding transcript variant (1), intron variant (1).
Genome position (GRCh38, 1-based): chr4:987,883, G>A. VCF-style: chr4-987883-G-A. GRCh37 (hg19) VCF-style: chr4-981671-G-A.
Other names: c.*950C>T (NM_022042.4, NM_213613.4); c.576+3245C>T (NM_134425.4); short protein forms G78D.
Identifiers: ClinVar variation 1002781 (VCV001002781.9), dbSNP rs751792135, ClinGen allele CA2801141.

ClinVar aggregate classification (germline): Uncertain significance. Review status: criteria provided, multiple submitters, no conflicts (2 of 4 stars). 3 submissions from 3 submitters: Uncertain significance (2). 1 of the submissions does not count toward it. Last evaluated 2023-06-25.

Conditions:
Mucopolysaccharidosis type 1. Also called: IDUA deficiency; MPS I. Identifiers: Orphanet 579, MedGen C0023786, MONDO:0001586.

Allele frequency attached by ClinVar (database versions not stated): ExAC 0.00001; gnomAD 0.00001.
gnomAD v4.1: 77 of 1,611,620 alleles (0.0048%); highest among the groups gnomAD compares: Non-Finnish European, 0.0063%; no homozygotes.

Submissions (3):

Revvity Omics, Revvity
Classification: Uncertain significance. Last evaluated: 2023-06-25. Review status: criteria provided, single submitter. Criteria: ACMG Guidelines, 2015. Collection method: clinical testing. Allele origin: germline.

Labcorp Genetics (formerly Invitae), Labcorp
Classification: Uncertain significance for Mucopolysaccharidosis type 1. Last evaluated: 2022-10-26. Review status: criteria provided, single submitter. Criteria: Invitae Variant Classification Sherloc (09022015). Collection method: clinical testing. Allele origin: germline.
Comment: This sequence change replaces glycine, which is neutral and non-polar, with aspartic acid, which is acidic and polar, at codon 78 of the IDUA protein (p.Gly78Asp). The frequency data for this variant in the population databases is considered unreliable, as metrics indicate poor data quality at this position in the gnomAD database. This variant has not been reported in the literature in individuals affected with IDUA-related conditions. ClinVar contains an entry for this variant (Variation ID: 1002781). Advanced modeling of protein sequence and biophysical properties (such as structural, functional, and spatial information, amino acid conservation, physicochemical variation, residue mobility, and thermodynamic stability) has been performed at Invitae for this missense variant, however the output from this modeling did not meet the statistical confidence thresholds required to predict the impact of this variant on IDUA protein function. In summary, the available evidence is currently insufficient to determine the role of this variant in disease. Therefore, it has been classified as a Variant of Uncertain Significance.

Natera, Inc.
Classification: Uncertain significance for Mucopolysaccharidosis type I. Last evaluated: 2021-05-27. Review status: no assertion criteria provided. Collection method: clinical testing. Allele origin: germline. Not counted in ClinVar's aggregate classification.